The following is an entry in ClinVar:

NM_001136191.3(KANK2):c.2070T>C (p.Gly690=)

Gene: KANK2 (KN motif and ankyrin repeat domains 2; minus strand). Cytogenetic location: 19p13.2.
Variant type: single nucleotide variant.
Coding change: c.2070T>C on transcript NM_001136191.3 (MANE Select); coding-DNA position 2070, T replaced by C.
Protein change: p.Gly690=; no amino-acid change (glycine 690 retained).
Molecular consequence: synonymous variant.
Genome position (GRCh38, 1-based): chr19:11,173,122, A>G on the plus strand (T>C on the coding strand, the complement: KANK2 is on the minus strand). VCF-style: chr19-11173122-A-G. GRCh37 (hg19) VCF-style: chr19-11283798-A-G.
Other names: c.2094T>C (NM_015493.6); c.2070T>C, p.Gly690= (NM_001329451.2, NM_001379555.1, NM_001379556.1 and 7 more transcripts); c.2094T>C, p.Gly698= (NM_001379548.1, NM_001379549.1, NM_001379550.1 and 5 more transcripts).
Identifiers: ClinVar variation 2198558 (VCV002198558.6), dbSNP rs201723514, ClinGen allele CA9205382.

ClinVar aggregate classification (germline): Likely benign. Review status: criteria provided, single submitter (1 of 4 stars). 2 submissions from 2 submitters: Likely benign (1). 1 of the submissions does not count toward it. Last evaluated 2025-12-25.

Conditions:
KANK2-related disorder. Also called: KANK2-related condition.

Allele frequency attached by ClinVar (database versions not stated): ExAC 0.00017; gnomAD 0.00019; ESP Exome Variant Server 0.00023; TOPMed 0.00025.
gnomAD v4.1: 410 of 1,612,188 alleles (0.025%); highest among the groups gnomAD compares: Middle Eastern, 0.36%; 1 homozygote.

Submissions (2):

Labcorp Genetics (formerly Invitae), Labcorp
Classification: Likely benign. Last evaluated: 2025-12-25. Review status: criteria provided, single submitter. Criteria: Invitae Variant Classification Sherloc (09022015). Collection method: clinical testing. Allele origin: germline.

PreventionGenetics, part of Exact Sciences
Classification: Likely benign for KANK2-related condition. Last evaluated: 2019-08-13. Review status: no assertion criteria provided. Collection method: clinical testing. Allele origin: germline. Not counted in ClinVar's aggregate classification.
Comment: This variant is classified as likely benign based on ACMG/AMP sequence variant interpretation guidelines (Richards et al. 2015 PMID: 25741868, with internal and published modifications).